The following is an entry in ClinVar:

ClinVar aggregate classification (germline): Uncertain significance (1 of 4 stars; one submission).

Conditions:
Cardiomyopathy (CMYO). Also called: Cardiomyopathies. Identifiers: Orphanet 167848, MedGen C0878544, MONDO:0004994, HP:0001638. Inheritance: Various modes of inheritance.

Submission:

Color Diagnostics, LLC DBA Color Health
Classification: Uncertain significance for Cardiomyopathy. Last evaluated: 2023-12-05. Review status: criteria provided, single submitter. Criteria: ACMG Guidelines, 2015. Collection method: clinical testing. Allele origin: germline.
Comment: This missense variant replaces phenylalanine with serine at codon 756 of the DSC2 protein. Computational prediction tools and conservation analyses are inconclusive regarding the impact of this variant on the protein function. Computational splicing tools suggest that this variant may not impact RNA splicing. To our knowledge, functional assays have not been performed for this variant nor has this variant been reported in individuals affected with cardiovascular disorders in the literature. This variant has not been identified in the general population by the Genome Aggregation Database (gnomAD). Available evidence is insufficient to determine the role of this variant in disease conclusively. Therefore, this variant is classified as a Variant of Uncertain Significance.

NM_024422.6(DSC2):c.2267T>C (p.Phe756Ser)

Gene: DSC2 (desmocollin 2; minus strand). Cytogenetic location: 18q12.1.
Variant type: single nucleotide variant.
Coding change: c.2267T>C on transcript NM_024422.6 (MANE Select); coding-DNA position 2267, T replaced by C.
Protein change: p.Phe756Ser; replaces phenylalanine 756 with serine.
Molecular consequence: missense variant.
Genome position (GRCh38, 1-based): chr18:31,069,135, A>G on the plus strand (T>C on the coding strand, the complement: DSC2 is on the minus strand). VCF-style: chr18-31069135-A-G. GRCh37 (hg19) VCF-style: chr18-28649101-A-G.
Other names: c.2267T>C, p.Phe756Ser (NM_004949.5); short protein forms F756S.
Identifiers: ClinVar variation 922161 (VCV000922161.5), dbSNP rs1986741020, ClinGen allele CA402112108.
Genomic context (GRCh38, chr18:31,069,135, plus strand): 5'-ATTCCTGATCCCACGGTGCCACAAACTCCCTGAGCAGAAGCGCCCACAGTTTGGGTTGTG[A>G]AGCCATTCGCAGAATACTGAAATGAAAACAATTTGCATTAGGGATAATACAGAGAGGAAC-3'
Protein context (NP_077740.1, residues 746-766): GDDKVYSANG[Phe756Ser]TTQTVGASAQ